The following is an entry in ClinVar:

ClinVar aggregate classification (germline): Benign. Review status: criteria provided, multiple submitters, no conflicts (2 of 4 stars). 7 submissions from 7 submitters: Benign (4). 3 of the submissions do not count toward it. Last evaluated 2026-02-03.

Allele frequency attached by ClinVar (database versions not stated): 1000 Genomes Project 0.15855; 1000 Genomes Project 30x 0.16318; gnomAD exomes 0.17579; ExAC 0.17761; gnomAD 0.21237 and 0.21855; TOPMed 0.22203; ESP Exome Variant Server 0.22913.
gnomAD v4.1: 321,913 of 1,608,288 alleles (20%); highest among the groups gnomAD compares: African/African-American, 27%; 34,450 homozygotes.

Submissions (7):

Labcorp Genetics (formerly Invitae), Labcorp
Classification: Benign. Last evaluated: 2026-02-03. Review status: criteria provided, single submitter. Criteria: Invitae Variant Classification Sherloc (09022015). Collection method: clinical testing. Allele origin: germline.

Blueprint Genetics
Classification: Benign. Last evaluated: 2024-11-26. Review status: criteria provided, single submitter. Criteria: ACMG Guidelines, 2015. Collection method: clinical testing. Allele origin: germline.

GeneDx
Classification: Benign. Last evaluated: 2018-07-17. Review status: criteria provided, single submitter. Criteria: GeneDx Variant Classification Process June 2021. Collection method: clinical testing. Allele origin: germline. Affected: yes.

Breakthrough Genomics
Classification: Benign. Review status: criteria provided, single submitter. Criteria: ACMG Guidelines, 2015. Collection method: not provided. Allele origin: germline. Inheritance: Autosomal recessive inheritance. Affected: yes.

Clinical Genetics DNA and cytogenetics Diagnostics Lab, Erasmus MC, Erasmus Medical Center
Classification: Benign. Review status: no assertion criteria provided. Collection method: clinical testing. Allele origin: germline. Affected: yes. Study: VKGL Data-share Consensus. Not counted in ClinVar's aggregate classification.

Clinical Genetics, Academic Medical Center
Classification: Benign. Review status: no assertion criteria provided. Collection method: clinical testing. Allele origin: germline. Affected: yes. Study: VKGL Data-share Consensus. Not counted in ClinVar's aggregate classification.

Genetic Services Laboratory, University of Chicago
Classification: Likely benign. Review status: no assertion criteria provided. Collection method: clinical testing. Allele origin: germline. Inheritance: Autosomal recessive inheritance. Not counted in ClinVar's aggregate classification.
Comment: Likely benign based on allele frequency in 1000 Genomes Project or ESP global frequency and its presence in a patient with a rare or unrelated disease phenotype. NOT Sanger confirmed

NM_213622.4(STAMBP):c.1218+12T>C

Gene: STAMBP (STAM binding protein; plus strand). Cytogenetic location: 2p13.1.
Variant type: single nucleotide variant.
Coding change: c.1218+12T>C on transcript NM_213622.4 (MANE Select); 12 bases into the intron after coding-DNA position 1218, T replaced by C.
Molecular consequence: intron variant.
Genome position (GRCh38, 1-based): chr2:73,860,163, T>C. VCF-style: chr2-73860163-T-C. GRCh37 (hg19) VCF-style: chr2-74087290-T-C.
Other names: c.813+12T>C (NM_001353976.2, NM_001353974.2, NM_001353975.2 and 3 more transcripts); c.1218+12T>C (NM_001353970.2, NM_006463.6, NM_001353968.2 and 3 more transcripts).
Identifiers: ClinVar variation 160040 (VCV000160040.21), dbSNP rs1025424, ClinGen allele CA173611.